The following is an entry in ClinVar:

ClinVar aggregate classification (germline): Uncertain significance (1 of 4 stars; one submission).

Allele frequency attached by ClinVar (database versions not stated): ExAC 0.00001; gnomAD 0.00002; TOPMed 0.00002.
gnomAD v4.1: 36 of 1,613,924 alleles (0.0022%); highest among the groups gnomAD compares: Middle Eastern, 0.016%; no homozygotes.

Submission:

Labcorp Genetics (formerly Invitae), Labcorp
Classification: Uncertain significance. Last evaluated: 2024-05-29. Review status: criteria provided, single submitter. Criteria: Invitae Variant Classification Sherloc (09022015). Collection method: clinical testing. Allele origin: germline.
Comment: This sequence change replaces aspartic acid, which is acidic and polar, with asparagine, which is neutral and polar, at codon 862 of the FNIP1 protein (p.Asp862Asn). This variant is present in population databases (rs780570527, gnomAD 0.003%). This variant has not been reported in the literature in individuals affected with FNIP1-related conditions. An algorithm developed to predict the effect of missense changes on protein structure and function (PolyPhen-2) suggests that this variant¬¨‚Ä†is likely to be tolerated. In summary, the available evidence is currently insufficient to determine the role of this variant in disease. Therefore, it has been classified as a Variant of Uncertain Significance.

NM_133372.3(FNIP1):c.2584G>A (p.Asp862Asn)

Gene: FNIP1 (folliculin interacting protein 1; minus strand). Cytogenetic location: 5q31.1.
Variant type: single nucleotide variant.
Coding change: c.2584G>A on transcript NM_133372.3 (MANE Select); coding-DNA position 2584, G replaced by A.
Protein change: p.Asp862Asn; replaces aspartic acid 862 with asparagine.
Molecular consequence: missense variant.
Genome position (GRCh38, 1-based): chr5:131,671,860, C>T on the plus strand (G>A on the coding strand, the complement: FNIP1 is on the minus strand). VCF-style: chr5-131671860-C-T. GRCh37 (hg19) VCF-style: chr5-131007553-C-T.
Other names: c.2500G>A, p.Asp834Asn (NM_001008738.3); c.2449G>A, p.Asp817Asn (NM_001346114.2); short protein forms D834N, D862N, D817N.
Identifiers: ClinVar variation 2910673 (VCV002910673.2), dbSNP rs780570527, ClinGen allele CA3400493.